The following is an entry in ClinVar:

ClinVar aggregate classification (germline): Uncertain significance (1 of 4 stars; one submission).

Submission:

GeneDx
Classification: Uncertain significance. Last evaluated: 2022-06-02. Review status: criteria provided, single submitter. Criteria: GeneDx Variant Classification Process June 2021. Collection method: clinical testing. Allele origin: germline. Affected: yes.
Comment: Not observed at significant frequency in large population cohorts (gnomAD); Frameshift variant predicted to result in protein truncation as the last 24 amino acids are replaced with 3 different amino acids, although loss-of-function variants have not been reported downstream of this position in the protein; Has not been previously published as pathogenic or benign to our knowledge

NM_002971.6(SATB1):c.2218del (p.Leu740fs)

Gene: SATB1 (SATB homeobox 1; minus strand). Cytogenetic location: 3p24.3.
Variant type: Deletion.
Coding change: c.2218del on transcript NM_002971.6 (MANE Select); coding-DNA position 2218, one base deleted (C; older notation c.2218delC).
Protein change: p.Leu740fs; shifts the reading frame from leucine 740.
Molecular consequence: frameshift variant.
Genome position (GRCh38, 1-based): chr3:18,349,244, G deleted on the plus strand (C on the coding strand, the reverse complement: SATB1 is on the minus strand); the first of 3 consecutive G bases (chr3:18,349,244-18,349,246); deleting any one gives the same sequence. VCF-style (leftmost placement, unchanged base first): chr3-18349243-AG-A. GRCh37 (hg19) VCF-style: chr3-18390735-AG-A.
Other names: c.2218del, p.Leu740fs (NM_001131010.4, NM_001322872.2, NM_001322873.2 and 2 more transcripts); c.2314del, p.Leu772fs (NM_001195470.3, NM_001322871.2); c.2002del, p.Leu668fs (NM_001322876.2); short protein forms L668fs, L740fs, L772fs.
Identifiers: ClinVar variation 1803371 (VCV001803371.1), dbSNP rs2470392160, ClinGen allele CA2580069188.
Genomic context (GRCh38, chr3:18,349,243, plus strand): 5'-TCAGTATTAATGTCTGTGTTTCCTTCCACTGACAGCTCTTCTTCTAGTTTCACTGAAAAA[AG>A]GGTGTTAGTATTTTTATCTTGGACACTCTCTTCCAAATCCTTCAGCAGCTCCTCTTCTTT-3'